The following is an entry in ClinVar:

NM_001366385.1(CARD14):c.1827G>A (p.Leu609=)

Gene: CARD14 (caspase recruitment domain family member 14; plus strand). Cytogenetic location: 17q25.3.
Variant type: single nucleotide variant.
Coding change: c.1827G>A on transcript NM_001366385.1 (MANE Select); coding-DNA position 1827, G replaced by A.
Protein change: p.Leu609=; no amino-acid change (leucine 609 retained).
Molecular consequence: synonymous variant. On other transcripts: non-coding transcript variant (1).
Genome position (GRCh38, 1-based): chr17:80,198,567, G>A. VCF-style: chr17-80198567-G-A. GRCh37 (hg19) VCF-style: chr17-78172366-G-A.
Other names: c.1827G>A, p.Leu609= (NM_001257970.1, NM_024110.4); c.1116G>A, p.Leu372= (NM_052819.3).
Identifiers: ClinVar variation 747350 (VCV000747350.12), dbSNP rs200102317, ClinGen allele CA8817005.

ClinVar aggregate classification (germline): Likely benign. Review status: criteria provided, multiple submitters, no conflicts (2 of 4 stars). 2 submissions from 2 submitters: Likely benign (2). Last evaluated 2026-08-01.

Conditions:
Psoriasis 2. Identifiers: MedGen C1864497, MONDO:0011269, OMIM 602723.
Pityriasis rubra pilaris (PRP). Also called: Pityriasis rubra pilaris--familial type. Identifiers: Orphanet 2897, MedGen C0032027, MONDO:0100017, OMIM 173200, MONDO:0008251.

Allele frequency attached by ClinVar (database versions not stated): TOPMed 0.00002; gnomAD 0.00003; ExAC 0.00008; gnomAD exomes 0.00009 and 0.00014.
gnomAD v4.1: 205 of 1,612,758 alleles (0.013%); highest among the groups gnomAD compares: Non-Finnish European, 0.015%; no homozygotes.

Submissions (2):

CeGaT Center for Human Genetics Tuebingen
Classification: Likely benign. Last evaluated: 2026-08-01. Review status: criteria provided, single submitter. Criteria: CeGaT Center For Human Genetics Tuebingen Variant Classification Criteria Version 2. Collection method: clinical testing. Allele origin: germline. Affected: yes. Observed: 1 variant allele.
Comment: CARD14: BP4, BP7

Labcorp Genetics (formerly Invitae), Labcorp
Classification: Likely benign for Pityriasis rubra pilaris; Psoriasis 2. Last evaluated: 2025-09-22. Review status: criteria provided, single submitter. Criteria: Invitae Variant Classification Sherloc (09022015). Collection method: clinical testing. Allele origin: germline.